The following is an entry in ClinVar:

ClinVar aggregate classification (germline): Uncertain significance (1 of 4 stars; one submission).

Submission:

ISCA site 4
Classification: Uncertain significance. Last evaluated: 2011-08-12. Review status: criteria provided, single submitter. Criteria: Kaminsky et al. (Genet Med. 2011). Collection method: clinical testing. Allele origin: unknown. Affected: yes. Observed: 1 variant allele.
Comment: Copy number variation identified through the course of routine clinical cytogenomic testing in postnatal populations. Clinical assertions have been curated as described in Kaminsky et al. 2011.

GRCh38/hg38 Yp11.2(chrY:6724827-9007152)x0

Genes: AMELY (amelogenin Y-linked; minus strand), LINC00279 (long intergenic non-protein coding RNA 279; plus strand), TBL1Y (transducin beta like 1 Y-linked; plus strand), TTTY11 (testis expressed transcript, Y-linked 11; minus strand), TTTY12 (testis expressed transcript, Y-linked 12; plus strand) and 5 more. Cytogenetic location: Yp11.2.
Variant type: copy number loss.
Change: copy number 0 of chrY:6,724,827-9,007,152 (2.28 Mb, GRCh38 coordinates, 1-based), cytogenetic band Yp11.2.
Identifiers: ClinVar variation 57576 (VCV000057576.1).